The following is an entry in ClinVar:

NM_000051.4(ATM):c.8269-8A>G

Genes: ATM (ATM serine/threonine kinase; plus strand), C11orf65 (chromosome 11 open reading frame 65; minus strand). Cytogenetic location: 11q22.3.
Variant type: single nucleotide variant.
Coding change: c.8269-8A>G on transcript NM_000051.4 (MANE Select); 8 bases into the intron before coding-DNA position 8269, A replaced by G.
Molecular consequence: intron variant.
Genome position (GRCh38, 1-based): chr11:108,343,214, A>G. VCF-style: chr11-108343214-A-G. GRCh37 (hg19) VCF-style: chr11-108213941-A-G.
Other names: c.8269-8A>G (NM_001351834.2); c.641-34143T>C (NM_001330368.2); c.695-7922T>C (NM_001351110.2).
Identifiers: ClinVar variation 3253813 (VCV003253813.1), dbSNP rs2087802844.

ClinVar aggregate classification (germline): Likely benign (1 of 4 stars; one submission).

Conditions:
Familial cancer of breast. Also called: hereditary breast carcinoma; BREAST CANCER, FAMILIAL; Hereditary breast cancer. Identifiers: Orphanet 227535, MedGen C0346153, MONDO:0016419, OMIM 114480. Disease mechanism: loss of function.

Submission:

Myriad Genetics, Inc.
Classification: Likely benign for Familial cancer of breast. Last evaluated: 2024-06-19. Review status: criteria provided, single submitter. Criteria: Myriad Autosomal Dominant, Autosomal Recessive and X-Linked Classification Criteria (2023). Collection method: clinical testing. Allele origin: unknown.
Comment: This variant is considered likely benign. This variant is intronic and is not expected to impact mRNA splicing.